The following is an entry in ClinVar:

ClinVar aggregate classification (germline): Pathogenic. Review status: criteria provided, multiple submitters, no conflicts (2 of 4 stars). 4 submissions from 4 submitters: Pathogenic (3). Last evaluated 2025-03-04.

Conditions:
Van der Woude syndrome. Identifiers: Orphanet 888, MedGen C0175697, MONDO:0019508.
Popliteal pterygium syndrome (PPS). Identifiers: Orphanet 294963, MedGen C0265259, MONDO:0017435.
Orofacial cleft 6, susceptibility to (OFC6). Also called: CLEFT LIP WITH OR WITHOUT CLEFT PALATE, NONSYNDROMIC, 6. Identifiers: MedGen C1837213, MONDO:0012141, OMIM 608864.
IRF6-related condition. Also called: IRF6-related disorder; IRF6-Related Disorders. Identifiers: MedGen CN378148, MONDO:1040010.
Van der Woude syndrome 1. Also called: van der Woude Syndrome (VWS); CLEFT LIP AND/OR PALATE WITH MUCOUS CYSTS OF LOWER LIP. Identifiers: MedGen C4551864, MONDO:0007333, OMIM 119300.

Submissions (3):

Institute of Human Genetics, University of Leipzig Medical Center
Classification: Pathogenic for Van der Woude syndrome 1. Last evaluated: 2025-03-04. Review status: criteria provided, single submitter. Criteria: ACMG Guidelines, 2015. Collection method: clinical testing. Allele origin: unknown. Inheritance: Autosomal dominant inheritance. Affected: yes.
Comment: Criteria applied: PS4_MOD,PM1,PM2,PM5,PP2,PP3,PP4

Labcorp Genetics (formerly Invitae), Labcorp
Classification: Pathogenic for Orofacial cleft 6, susceptibility to; Van der Woude syndrome; Popliteal pterygium syndrome. Last evaluated: 2023-12-18. Review status: criteria provided, single submitter. Criteria: Invitae Variant Classification Sherloc (09022015). Collection method: clinical testing. Allele origin: germline.
Comment: This sequence change replaces arginine, which is basic and polar, with tryptophan, which is neutral and slightly polar, at codon 400 of the IRF6 protein (p.Arg400Trp). This variant is not present in population databases (gnomAD no frequency). This missense change has been observed in individuals with Van der Woude syndrome (PMID: 16160700, 16211254, 19282774, 20184620, 21045959). It has also been observed to segregate with disease in related individuals. ClinVar contains an entry for this variant (Variation ID: 3419). Advanced modeling of protein sequence and biophysical properties (such as structural, functional, and spatial information, amino acid conservation, physicochemical variation, residue mobility, and thermodynamic stability) performed at Invitae indicates that this missense variant is expected to disrupt IRF6 protein function with a positive predictive value of 80%. For these reasons, this variant has been classified as Pathogenic.

Blueprint Genetics
Classification: Pathogenic for IRF6-related disorders. Last evaluated: 2023-06-06. Review status: criteria provided, single submitter. Criteria: ACMG Guidelines, 2015. Collection method: clinical testing. Allele origin: germline. Affected: yes. Observed: 1 variant allele.

Literature cited by the submitters: PubMed 16160700 (cited by Labcorp Genetics (formerly Invitae), Labcorp); PubMed 16211254 (cited by Labcorp Genetics (formerly Invitae), Labcorp); PubMed 19282774 (cited by Labcorp Genetics (formerly Invitae), Labcorp); PubMed 20184620 (cited by Labcorp Genetics (formerly Invitae), Labcorp); PubMed 21045959 (cited by Labcorp Genetics (formerly Invitae), Labcorp).

NM_006147.4(IRF6):c.1198C>T (p.Arg400Trp)

Gene: IRF6 (interferon regulatory factor 6; minus strand). Cytogenetic location: 1q32.2.
Variant type: single nucleotide variant.
Coding change: c.1198C>T on transcript NM_006147.4 (MANE Select); coding-DNA position 1198, C replaced by T.
Protein change: p.Arg400Trp; replaces arginine 400 with tryptophan.
Molecular consequence: missense variant.
Genome position (GRCh38, 1-based): chr1:209,788,626, G>A on the plus strand (C>T on the coding strand, the complement: IRF6 is on the minus strand). VCF-style: chr1-209788626-G-A. GRCh37 (hg19) VCF-style: chr1-209961971-G-A.
Other names: c.913C>T, p.Arg305Trp (NM_001206696.2); short protein forms R400W, R305W.
Identifiers: ClinVar variation 3419 (VCV000003419.14), dbSNP rs28942095, ClinGen allele CA252762.
Genomic context (GRCh38, chr1:209,788,626, plus strand): 5'-GGACACTGCCACTATCAAAGGATCGTGTGAAATCACCAGAAAACATCTCGTAGATCATCC[G>A]AGCCACTACTGGAATGACCTGTTCAGGACACAGAACACAGGTGTATCCTCTGAGGAAAAG-3'
Protein context (NP_006138.1, residues 390-410): ILVQVIPVVA[Arg400Trp]MIYEMFSGDF